The following is an entry in ClinVar:

ClinVar aggregate classification (germline): Uncertain significance. Review status: criteria provided, multiple submitters, no conflicts (2 of 4 stars). 2 submissions from 2 submitters: Uncertain significance (2). Last evaluated 2024-08-06.

Conditions:
Arrhythmogenic cardiomyopathy with wooly hair and keratoderma. Also called: Dilated cardiomyopathy with woolly hair and keratoderma; PALMOPLANTAR KERATODERMA WITH LEFT VENTRICULAR CARDIOMYOPATHY AND WOOLLY HAIR; Carvajal syndrome; Arrhythmogenic cardiomyopathy with woolly hair and keratoderma. Identifiers: Orphanet 65282, MedGen C1854063, MONDO:0011581, OMIM 605676.
Arrhythmogenic right ventricular dysplasia 8 (ARVD8). Also called: Arrhythmogenic Right Ventricular Dysplasia/Cardiomyopathy 8; ARRHYTHMOGENIC RIGHT VENTRICULAR DYSPLASIA, FAMILIAL, 8; ARRHYTHMOGENIC RIGHT VENTRICULAR CARDIOMYOPATHY 8. Identifiers: MedGen C1843896, MONDO:0011831, OMIM 607450.

Allele frequency attached by ClinVar (database versions not stated): gnomAD 0.00001 and 0.00002; TOPMed 0.00001.
gnomAD v4.1: 3 of 1,614,038 alleles (0.00019%); highest among the groups gnomAD compares: Non-Finnish European, 0.00025%; no homozygotes.

Submissions (2):

All of Us Research Program, National Institutes of Health
Classification: Uncertain significance for Arrhythmogenic cardiomyopathy with wooly hair and keratoderma. Last evaluated: 2024-08-06. Review status: criteria provided, single submitter. Criteria: ACMG Guidelines, 2015. Collection method: clinical testing. Allele origin: germline. Inheritance: Autosomal dominant inheritance. Observed: 1 variant allele, 1 heterozygote.
Comment: This study involves interpretation of variants in research participants for the purpose of population health screening. Participant phenotype was not available at the time of variant classification. Additional details can be found in publication PMID: 35346344, PMCID: PMC8962531

Labcorp Genetics (formerly Invitae), Labcorp
Classification: Uncertain significance for Arrhythmogenic cardiomyopathy with wooly hair and keratoderma; Arrhythmogenic right ventricular dysplasia 8. Last evaluated: 2023-11-27. Review status: criteria provided, single submitter. Criteria: Invitae Variant Classification Sherloc (09022015). Collection method: clinical testing. Allele origin: germline.
Comment: This sequence change replaces threonine, which is neutral and polar, with serine, which is neutral and polar, at codon 2287 of the DSP protein (p.Thr2287Ser). This variant is not present in population databases (gnomAD no frequency). This variant has not been reported in the literature in individuals affected with DSP-related conditions. ClinVar contains an entry for this variant (Variation ID: 222583). An algorithm developed to predict the effect of missense changes on protein structure and function (PolyPhen-2) suggests that this variant is likely to be disruptive. In summary, the available evidence is currently insufficient to determine the role of this variant in disease. Therefore, it has been classified as a Variant of Uncertain Significance.

NM_004415.4(DSP):c.6859A>T (p.Thr2287Ser)

Gene: DSP (desmoplakin; plus strand). Cytogenetic location: 6p24.3.
Variant type: single nucleotide variant.
Coding change: c.6859A>T on transcript NM_004415.4 (MANE Select); coding-DNA position 6859, A replaced by T.
Protein change: p.Thr2287Ser; replaces threonine 2287 with serine.
Molecular consequence: missense variant.
Genome position (GRCh38, 1-based): chr6:7,584,121, A>T. VCF-style: chr6-7584121-A-T. GRCh37 (hg19) VCF-style: chr6-7584354-A-T.
Other names: c.6859A>T (LRG_423t1); c.5062A>T, p.Thr1688Ser (NM_001008844.3); c.5530A>T, p.Thr1844Ser (NM_001319034.2); short protein forms T2287S, T1844S, T1688S.
Identifiers: ClinVar variation 222583 (VCV000222583.3), dbSNP rs869025396, ClinGen allele CA354024.